The following is an entry in ClinVar:

NM_015443.4(KANSL1):c.3236C>T (p.Ala1079Val)

Gene: KANSL1 (KAT8 regulatory NSL complex subunit 1). Cytogenetic location: 17q21.31.
Variant type: single nucleotide variant.
Coding change: c.3236C>T on transcript NM_015443.4 (MANE Select); coding-DNA position 3236, C replaced by T.
Protein change: p.Ala1079Val; replaces alanine 1079 with valine.
Molecular consequence: missense variant.
Genome position (GRCh38, 1-based): chr17:46,031,558, G>A on the plus strand (C>T on the coding strand, the complement: KANSL1 is on the minus strand). VCF-style: chr17-46031558-G-A. GRCh37 (hg19) VCF-style: chr17-44108924-G-A.
Other names: c.3233C>T, p.Ala1078Val (NM_001193465.2); c.3236C>T, p.Ala1079Val (NM_001193466.2, NM_001379198.1); short protein forms A1079V, A1078V.
Identifiers: ClinVar variation 388914 (VCV000388914.14), dbSNP rs370112084, ClinGen allele CA8618341.

ClinVar aggregate classification (germline): Conflicting classifications of pathogenicity. Review status: criteria provided, conflicting classifications (1 of 4 stars). 3 submissions from 3 submitters: Uncertain significance (1); Benign (1); Likely benign (1). Last evaluated 2025-06-24.

Conditions:
Inborn genetic diseases. Identifiers: MedGen C0950123, MeSH D030342.
Koolen-de Vries syndrome (KDVS). Identifiers: Orphanet 96169, MedGen C1864871, MONDO:0012496, OMIM 610443.

Allele frequency attached by ClinVar (database versions not stated): TOPMed below 0.00001; ExAC 0.00001; gnomAD 0.00001; gnomAD exomes 0.00001 and 0.00004; ESP Exome Variant Server 0.00008.
gnomAD v4.1: 66 of 1,613,884 alleles (0.0041%); highest among the groups gnomAD compares: East Asian, 0.0067%; no homozygotes.

Submissions (3):

Ambry Genetics
Classification: Uncertain significance for Inborn genetic diseases. Last evaluated: 2025-06-24. Review status: criteria provided, single submitter. Criteria: Ambry Variant Classification Scheme 2023. Collection method: clinical testing. Allele origin: germline.

Labcorp Genetics (formerly Invitae), Labcorp
Classification: Benign for Koolen-de Vries syndrome. Last evaluated: 2025-04-21. Review status: criteria provided, single submitter. Criteria: Invitae Variant Classification Sherloc (09022015). Collection method: clinical testing. Allele origin: germline.

GeneDx
Classification: Likely benign. Last evaluated: 2016-08-30. Review status: criteria provided, single submitter. Criteria: GeneDx Variant Classification (06012015). Collection method: clinical testing. Allele origin: germline. Affected: yes.
Comment: This variant is considered likely benign or benign based on one or more of the following criteria: it is a conservative change, it occurs at a poorly conserved position in the protein, it is predicted to be benign by multiple in silico algorithms, and/or has population frequency not consistent with disease.